The following is an entry in ClinVar:

NM_006648.4(WNK2):c.5038T>A (p.Phe1680Ile)

Gene: WNK2 (WNK lysine deficient protein kinase 2; plus strand). Cytogenetic location: 9q22.31.
Variant type: single nucleotide variant.
Coding change: c.5038T>A on transcript NM_006648.4 (MANE Select); coding-DNA position 5038, T replaced by A.
Protein change: p.Phe1680Ile; replaces phenylalanine 1680 with isoleucine.
Molecular consequence: missense variant.
Genome position (GRCh38, 1-based): chr9:93,292,503, T>A. VCF-style: chr9-93292503-T-A. GRCh37 (hg19) VCF-style: chr9-96054785-T-A.
Other names: c.5149T>A, p.Phe1717Ile (NM_001282394.3); short protein forms F1680I, F1717I.
Identifiers: ClinVar variation 4201903 (VCV004201903.1).

ClinVar aggregate classification (germline): Uncertain significance (1 of 4 stars; one submission).

Submission:

Ambry Genetics
Classification: Uncertain significance. Last evaluated: 2025-09-13. Review status: criteria provided, single submitter. Criteria: Ambry Variant Classification Scheme 2023. Collection method: clinical testing. Allele origin: germline.
Comment: The p.F1680I variant (also known as c.5038T>A), located in coding exon 22 of the WNK2 gene, results from a T to A substitution at nucleotide position 5038. The phenylalanine at codon 1680 is replaced by isoleucine, an amino acid with highly similar properties. This amino acid position is conserved. In addition, this alteration is predicted to be tolerated by in silico analysis. Based on the available evidence, the clinical significance of this variant remains unclear.